The following is an entry in ClinVar:

NM_022893.4(BCL11A):c.18A>T (p.Gln6His)

Gene: BCL11A (BCL11 transcription factor A; minus strand). Cytogenetic location: 2p16.1.
Variant type: single nucleotide variant.
Coding change: c.18A>T on transcript NM_022893.4 (MANE Select); coding-DNA position 18, A replaced by T.
Protein change: p.Gln6His; replaces glutamine 6 with histidine.
Molecular consequence: missense variant.
Genome position (GRCh38, 1-based): chr2:60,553,253, T>A on the plus strand (A>T on the coding strand, the complement: BCL11A is on the minus strand). VCF-style: chr2-60553253-T-A. GRCh37 (hg19) VCF-style: chr2-60780388-T-A.
Other names: c.18A>T, p.Gln6His (NM_001363864.1, NM_001365609.1, NM_018014.4 and 1 more transcripts); short protein forms Q6H.
Identifiers: ClinVar variation 678657 (VCV000678657.1), dbSNP rs1573109737, ClinGen allele CA347040203.

ClinVar aggregate classification (germline): Likely benign (1 of 4 stars; one submission).

Submission:

GeneDx
Classification: Likely benign. Last evaluated: 2018-05-03. Review status: criteria provided, single submitter. Criteria: GeneDx Variant Classification (06012015). Collection method: clinical testing. Allele origin: germline. Affected: yes.
Comment: This variant is considered likely benign or benign based on one or more of the following criteria: it is a conservative change, it occurs at a poorly conserved position in the protein, it is predicted to be benign by multiple in silico algorithms, and/or has population frequency not consistent with disease.